The following is an entry in ClinVar:

ClinVar aggregate classification (germline): Uncertain significance (1 of 4 stars; one submission).

Conditions:
Nephronophthisis 15 (NPHP15). Identifiers: Orphanet 3156, MedGen C3541853, MONDO:0013917, OMIM 614845.

Submission:

Labcorp Genetics (formerly Invitae), Labcorp
Classification: Uncertain significance for Nephronophthisis 15. Last evaluated: 2022-01-27. Review status: criteria provided, single submitter. Criteria: Invitae Variant Classification Sherloc (09022015). Collection method: clinical testing. Allele origin: germline.
Comment: Algorithms developed to predict the effect of missense changes on protein structure and function output the following: SIFT: "Tolerated"; PolyPhen-2: "Benign"; Align-GVGD: "Class C0". The cysteine amino acid residue is found in multiple mammalian species, which suggests that this missense change does not adversely affect protein function. This variant has not been reported in the literature in individuals affected with CEP164-related conditions. This variant is not present in population databases (gnomAD no frequency). This sequence change replaces tyrosine, which is neutral and polar, with cysteine, which is neutral and slightly polar, at codon 194 of the CEP164 protein (p.Tyr194Cys). In summary, the available evidence is currently insufficient to determine the role of this variant in disease. Therefore, it has been classified as a Variant of Uncertain Significance.

NM_014956.5(CEP164):c.581A>G (p.Tyr194Cys)

Gene: CEP164 (centrosomal protein 164; plus strand). Cytogenetic location: 11q23.3.
Variant type: single nucleotide variant.
Coding change: c.581A>G on transcript NM_014956.5 (MANE Select); coding-DNA position 581, A replaced by G.
Protein change: p.Tyr194Cys; replaces tyrosine 194 with cysteine.
Molecular consequence: missense variant.
Genome position (GRCh38, 1-based): chr11:117,362,432, A>G. VCF-style: chr11-117362432-A-G. GRCh37 (hg19) VCF-style: chr11-117233148-A-G.
Other names: c.581A>G, p.Tyr194Cys (NM_001271933.2); short protein forms Y194C.
Identifiers: ClinVar variation 2079664 (VCV002079664.4), dbSNP rs2041102726, ClinGen allele CA382731720.